The following is an entry in ClinVar:

NM_005428.4(VAV1):c.2449C>G (p.Gln817Glu)

Gene: VAV1 (vav guanine nucleotide exchange factor 1; plus strand). Cytogenetic location: 19p13.3.
Variant type: single nucleotide variant.
Coding change: c.2449C>G on transcript NM_005428.4 (MANE Select); coding-DNA position 2449, C replaced by G.
Protein change: p.Gln817Glu; replaces glutamine 817 with glutamic acid.
Molecular consequence: missense variant.
Genome position (GRCh38, 1-based): chr19:6,854,063, C>G. VCF-style: chr19-6854063-C-G. GRCh37 (hg19) VCF-style: chr19-6854074-C-G.
Other names: c.2383C>G, p.Gln795Glu (NM_001258206.2); c.2353C>G, p.Gln785Glu (NM_001258207.2); short protein forms Q795E, Q817E, Q785E.
Identifiers: ClinVar variation 2694609 (VCV002694609.3), dbSNP rs2512410177, ClinGen allele CA403638194.

ClinVar aggregate classification (germline): Uncertain significance (1 of 4 stars; one submission).

Submission:

Labcorp Genetics (formerly Invitae), Labcorp
Classification: Uncertain significance. Last evaluated: 2023-12-15. Review status: criteria provided, single submitter. Criteria: Invitae Variant Classification Sherloc (09022015). Collection method: clinical testing. Allele origin: germline.
Comment: This sequence change replaces glutamine, which is neutral and polar, with glutamic acid, which is acidic and polar, at codon 817 of the VAV1 protein (p.Gln817Glu). This variant is not present in population databases (gnomAD no frequency). This variant has not been reported in the literature in individuals affected with VAV1-related conditions. An algorithm developed to predict the effect of missense changes on protein structure and function (PolyPhen-2) suggests that this variant is likely to be tolerated. In summary, the available evidence is currently insufficient to determine the role of this variant in disease. Therefore, it has been classified as a Variant of Uncertain Significance.